The following is an entry in ClinVar:

NM_021930.6(RINT1):c.1442C>G (p.Thr481Ser)

Gene: RINT1 (RAD50 interactor 1; plus strand). Cytogenetic location: 7q22.3.
Variant type: single nucleotide variant.
Coding change: c.1442C>G on transcript NM_021930.6 (MANE Select); coding-DNA position 1442, C replaced by G.
Protein change: p.Thr481Ser; replaces threonine 481 with serine.
Molecular consequence: missense variant. On other transcripts: non-coding transcript variant (1).
Genome position (GRCh38, 1-based): chr7:105,551,678, C>G. VCF-style: chr7-105551678-C-G. GRCh37 (hg19) VCF-style: chr7-105192125-C-G.
Other names: c.1208C>G, p.Thr403Ser (NM_001346599.2); c.419C>G, p.Thr140Ser (NM_001346600.2, NM_001346603.2); c.518C>G, p.Thr173Ser (NM_001346601.2); short protein forms T173S, T140S, T403S, T481S.
Identifiers: ClinVar variation 4825986 (VCV004825986.1).

ClinVar aggregate classification (germline): Uncertain significance (1 of 4 stars; one submission).

Submission:

Ambry Genetics
Classification: Uncertain significance. Last evaluated: 2026-03-07. Review status: criteria provided, single submitter. Criteria: Ambry Variant Classification Scheme 2023. Collection method: clinical testing. Allele origin: germline.
Comment: The p.T481S variant (also known as c.1442C>G), located in coding exon 10 of the RINT1 gene, results from a C to G substitution at nucleotide position 1442. The threonine at codon 481 is replaced by serine, an amino acid with similar properties. This amino acid position is conserved. In addition, this alteration is predicted to be tolerated by in silico analysis. Based on the available evidence, the clinical significance of this variant remains unclear.